The following is an entry in ClinVar:

ClinVar aggregate classification (germline): Likely pathogenic. Review status: criteria provided, multiple submitters, no conflicts (2 of 4 stars). 2 submissions from 2 submitters: Likely pathogenic (2). Last evaluated 2023-10-06.

Conditions:
Autosomal recessive limb-girdle muscular dystrophy type 2J (LGMDR10). Also called: Limb-girdle muscular dystrophy, type 2J; MUSCULAR DYSTROPHY, LIMB-GIRDLE, AUTOSOMAL RECESSIVE 10. Identifiers: Orphanet 140922, MedGen C1837342, MONDO:0012127, OMIM 608807.
Dilated cardiomyopathy 1G (CMD1G). Identifiers: Orphanet 154, MedGen C1858763, MONDO:0011400, OMIM 604145.

Submissions (2):

GeneDx
Classification: Likely pathogenic. Last evaluated: 2023-10-06. Review status: criteria provided, single submitter. Criteria: GeneDx Variant Classification Process June 2021. Collection method: clinical testing. Allele origin: germline. Affected: yes.
Comment: Has been reported in association with DCM (PMID: 31251381, 31983221); Not observed at significant frequency in large population cohorts (gnomAD); Nonsense variant predicted to result in protein truncation or nonsense mediated decay in a gene for which loss of function is a known mechanism of disease; Located in the A-band region of TTN in which the majority of loss of function variants have been associated with autosomal dominant titinopathies (PMID: 22335739); This variant is associated with the following publications: (PMID: 31251381, 31983221, 22335739)

Labcorp Genetics (formerly Invitae), Labcorp
Classification: Likely pathogenic for Dilated cardiomyopathy 1G; Autosomal recessive limb-girdle muscular dystrophy type 2J. Last evaluated: 2023-09-21. Review status: criteria provided, single submitter. Criteria: Invitae Variant Classification Sherloc (09022015). Collection method: clinical testing. Allele origin: germline.
Comment: This variant is located in the A band of TTN (PMID: 25589632). Truncating variants in this region are significantly overrepresented in patients affected with dilated cardiomyopathy (PMID: 25589632). Truncating variants in this region have also been reported in individuals affected with autosomal recessive centronuclear myopathy (PMID: 23975875). This premature translational stop signal has been observed in individual(s) with dilated cardiomyopathy (PMID: 31983221). This variant is not present in population databases (gnomAD no frequency). This sequence change creates a premature translational stop signal (p.Trp25452*) in the TTN gene. While this is not anticipated to result in nonsense mediated decay, it is expected to create a truncated TTN protein. In summary, the currently available evidence indicates that the variant is pathogenic, but additional data are needed to prove that conclusively. Therefore, this variant has been classified as Likely Pathogenic.

Literature cited by the submitters: PubMed 25589632 (cited by Labcorp Genetics (formerly Invitae), Labcorp); PubMed 23975875 (cited by Labcorp Genetics (formerly Invitae), Labcorp); PubMed 31983221 (cited by Labcorp Genetics (formerly Invitae), Labcorp).

NM_001267550.2(TTN):c.76355G>A (p.Trp25452Ter)

Genes: TTN (titin; minus strand), TTN-AS1 (TTN antisense RNA 1; plus strand). Cytogenetic location: 2q31.2.
Variant type: single nucleotide variant.
Coding change: c.76355G>A on transcript NM_001267550.2 (MANE Select); coding-DNA position 76355, G replaced by A.
Protein change: p.Trp25452Ter; replaces tryptophan 25452 with a stop codon.
Molecular consequence: nonsense.
Genome position (GRCh38, 1-based): chr2:178,569,777, C>T on the plus strand (G>A on the coding strand, the complement: TTN is on the minus strand). VCF-style: chr2-178569777-C-T. GRCh37 (hg19) VCF-style: chr2-179434504-C-T.
Other names: c.71432G>A, p.Trp23811Ter (NM_001256850.1); c.49160G>A, p.Trp16387Ter (NM_003319.4); c.68651G>A, p.Trp22884Ter (NM_133378.4); c.49535G>A, p.Trp16512Ter (NM_133432.3); c.49736G>A, p.Trp16579Ter (NM_133437.4); short protein forms W16512*, W25452*, W16387*, W16579*, W22884*, W23811*.
Identifiers: ClinVar variation 2933331 (VCV002933331.4), dbSNP rs2468420275, ClinGen allele CA349615782.